The following is an entry in ClinVar:

NM_004369.4(COL6A3):c.6917G>A (p.Arg2306His)

Gene: COL6A3 (collagen type VI alpha 3 chain; minus strand). Cytogenetic location: 2q37.3.
Variant type: single nucleotide variant.
Coding change: c.6917G>A on transcript NM_004369.4 (MANE Select); coding-DNA position 6917, G replaced by A.
Protein change: p.Arg2306His; replaces arginine 2306 with histidine.
Molecular consequence: missense variant.
Genome position (GRCh38, 1-based): chr2:237,348,626, C>T on the plus strand (G>A on the coding strand, the complement: COL6A3 is on the minus strand). VCF-style: chr2-237348626-C-T. GRCh37 (hg19) VCF-style: chr2-238257269-C-T.
Other names: c.6917G>A (NM_004369.3); c.5096G>A, p.Arg1699His (NM_057166.5); c.6299G>A, p.Arg2100His (NM_057167.4); short protein forms R1699H, R2100H, R2306H.
Identifiers: ClinVar variation 999045 (VCV000999045.11), dbSNP rs1177122610, ClinGen allele CA351208319.

ClinVar aggregate classification (germline): Uncertain significance. Review status: criteria provided, multiple submitters, no conflicts (2 of 4 stars). 3 submissions from 3 submitters: Uncertain significance (3). Last evaluated 2025-11-13.

Conditions:
Inborn genetic diseases. Identifiers: MedGen C0950123, MeSH D030342.
Bethlem myopathy 1A. Also called: Bethlem Muscular Dystrophy; MYOPATHY, BENIGN CONGENITAL, WITH CONTRACTURES; Bethlem myopathy 1. Identifiers: Orphanet 610, MedGen CN029274, MONDO:0024530, OMIM 158810.

Allele frequency attached by ClinVar (database versions not stated): TOPMed 0.00001.
gnomAD v4.1: 14 of 1,614,150 alleles (0.00087%); highest among the groups gnomAD compares: African/African-American, 0.0013%; no homozygotes.

Submissions (3):

Women's Health and Genetics/Laboratory Corporation of America, LabCorp
Classification: Uncertain significance. Last evaluated: 2025-11-13. Review status: criteria provided, single submitter. Criteria: LabCorp Variant Classification Summary - May 2015. Collection method: clinical testing. Allele origin: germline.
Comment: Variant summary: COL6A3 c.6917G>A (p.Arg2306His) results in a non-conservative amino acid change in the encoded protein sequence. Algorithms developed to predict the effect of missense changes on protein structure and function are either unavailable or do not agree on the potential impact of this missense change. The variant allele was found at a frequency of 4e-06 in 251296 control chromosomes. The available data on variant occurrences in the general population are insufficient to allow any conclusion about variant significance. To our knowledge, no occurrence of c.6917G>A in individuals affected with COL6A3-related conditions and no experimental evidence demonstrating its impact on protein function have been reported. ClinVar contains an entry for this variant (Variation ID: 999045). Based on the evidence outlined above, the variant was classified as uncertain significance.

Labcorp Genetics (formerly Invitae), Labcorp
Classification: Uncertain significance for Bethlem myopathy 1A. Last evaluated: 2025-06-29. Review status: criteria provided, single submitter. Criteria: Invitae Variant Classification Sherloc (09022015). Collection method: clinical testing. Allele origin: germline.
Comment: This sequence change replaces arginine, which is basic and polar, with histidine, which is basic and polar, at codon 2306 of the COL6A3 protein (p.Arg2306His). The frequency data for this variant in the population databases is considered unreliable, as metrics indicate poor data quality at this position in the gnomAD database. This variant has not been reported in the literature in individuals affected with COL6A3-related conditions. ClinVar contains an entry for this variant (Variation ID: 999045). Invitae Evidence Modeling of protein sequence and biophysical properties (such as structural, functional, and spatial information, amino acid conservation, physicochemical variation, residue mobility, and thermodynamic stability) indicates that this missense variant is not expected to disrupt COL6A3 protein function with a negative predictive value of 80%. In summary, the available evidence is currently insufficient to determine the role of this variant in disease. Therefore, it has been classified as a Variant of Uncertain Significance.

Ambry Genetics
Classification: Uncertain significance for Inborn genetic diseases. Last evaluated: 2021-09-27. Review status: criteria provided, single submitter. Criteria: Ambry Variant Classification Scheme 2023. Collection method: clinical testing. Allele origin: germline.